The following is an entry in ClinVar:

NM_000540.3(RYR1):c.4678G>A (p.Val1560Ile)

Gene: RYR1 (ryanodine receptor 1; plus strand). Cytogenetic location: 19q13.2.
Variant type: single nucleotide variant.
Coding change: c.4678G>A on transcript NM_000540.3 (MANE Select); coding-DNA position 4678, G replaced by A.
Protein change: p.Val1560Ile; replaces valine 1560 with isoleucine.
Molecular consequence: missense variant.
Genome position (GRCh38, 1-based): chr19:38,483,084, G>A. VCF-style: chr19-38483084-G-A. GRCh37 (hg19) VCF-style: chr19-38973724-G-A.
Other names: c.4678G>A, p.Val1560Ile (NM_001042723.2); short protein forms V1560I.
Identifiers: ClinVar variation 590537 (VCV000590537.8), dbSNP rs767230160, ClinGen allele CA066359.

ClinVar aggregate classification (germline): Uncertain significance. Review status: criteria provided, multiple submitters, no conflicts (2 of 4 stars). 5 submissions from 5 submitters: Uncertain significance (5). Last evaluated 2024-06-09.

Conditions:
RYR1-related disorder. Also called: RYR1-related disorders; RYR1-related condition. Identifiers: MedGen CN239331.
Congenital multicore myopathy with external ophthalmoplegia (CMYO1B). Also called: MULTIMINICORE DISEASE WITH EXTERNAL OPHTHALMOPLEGIA; Congenital myopathy 1B, autosomal recessive; Minicore myopathy; Minicore myopathy with external ophthalmoplegia; MULTICORE MYOPATHY. Identifiers: Orphanet 598, Orphanet 98905, MedGen C1850674, MONDO:0009712, OMIM 255320, HP:0003789.
Congenital myopathy with fiber type disproportion. Also called: Congenital fiber-type disproportion myopathy; Congenital fiber-type disproportion. Identifiers: Orphanet 2020, MedGen C0546264, MONDO:0009711. Inheritance: all.
Malignant hyperthermia, susceptibility to, 1 (MHS1). Also called: Anesthesia related hyperthermia; Malignant hyperpyrexia; Fulminating hyperpyrexia; Pharmacogenic myopathy; RYR1-Related Malignant Hyperthermia Susceptibility; Malignant hyperthermia suceptibility 1. Identifiers: Orphanet 423, MedGen C2930980, MONDO:0007783, OMIM 145600.
Central core myopathy (CMYO1A). Also called: CONGENITAL MYOPATHY 1A, AUTOSOMAL DOMINANT, WITH SUSCEPTIBILITY TO MALIGNANT HYPERTHERMIA; Central core disease; Myopathy, central fibrillar. Identifiers: Orphanet 597, MedGen C5830701, MONDO:0007294, OMIM 117000.
King Denborough syndrome (KDS). Identifiers: MedGen C1840365, MONDO:0020485, OMIM 619542.

Allele frequency attached by ClinVar (database versions not stated): ExAC 0.00002; gnomAD 0.00002; gnomAD exomes 0.00002 and 0.00003; TOPMed 0.00004.
gnomAD v4.1: 35 of 1,613,922 alleles (0.0022%); highest among the groups gnomAD compares: Non-Finnish European, 0.0027%; no homozygotes.

Submissions (5):

All of Us Research Program, National Institutes of Health
Classification: Uncertain significance for Malignant hyperthermia, susceptibility to, 1. Last evaluated: 2024-06-09. Review status: criteria provided, single submitter. Criteria: ACMG Guidelines, 2015. Collection method: clinical testing. Allele origin: germline. Inheritance: Autosomal dominant inheritance. Observed: 8 variant alleles, 8 heterozygotes.
Comment: This missense variant replaces valine with isoleucine at codon 1560 of the RYR1 protein. Computational prediction suggests that this variant may not impact protein structure and function (internally defined REVEL score threshold <= 0.5, PMID: 27666373). To our knowledge, functional studies have not been reported for this variant. This variant has not been reported in individuals affected with RYR1-related disorders in the literature. This variant has been identified in 8/282832 chromosomes in the general population by the Genome Aggregation Database (gnomAD). The available evidence is insufficient to determine the role of this variant in disease conclusively. Therefore, this variant is classified as a Variant of Uncertain Significance.

This study involves interpretation of variants in research participants for the purpose of population health screening. Participant phenotype was not available at the time of variant classification. Additional details can be found in publication PMID: 35346344, PMCID: PMC8962531

Color Diagnostics, LLC DBA Color Health
Classification: Uncertain significance for Malignant hyperthermia, susceptibility to, 1. Last evaluated: 2024-03-07. Review status: criteria provided, single submitter. Criteria: ACMG Guidelines, 2015. Collection method: clinical testing. Allele origin: germline.
Comment: This missense variant replaces valine with isoleucine at codon 1560 of the RYR1 protein. Computational prediction suggests that this variant may not impact protein structure and function. To our knowledge, functional studies have not been reported for this variant. This variant has not been reported in individuals affected with RYR1-related disorders in the literature. This variant has been identified in 8/282832 chromosomes in the general population by the Genome Aggregation Database (gnomAD). The available evidence is insufficient to determine the role of this variant in disease conclusively. Therefore, this variant is classified as a Variant of Uncertain Significance.

Labcorp Genetics (formerly Invitae), Labcorp
Classification: Uncertain significance for RYR1-related disorder. Last evaluated: 2022-07-26. Review status: criteria provided, single submitter. Criteria: Invitae Variant Classification Sherloc (09022015). Collection method: clinical testing. Allele origin: germline.
Comment: This sequence change replaces valine, which is neutral and non-polar, with isoleucine, which is neutral and non-polar, at codon 1560 of the RYR1 protein (p.Val1560Ile). This variant is present in population databases (rs767230160, gnomAD 0.006%). This variant has not been reported in the literature in individuals affected with RYR1-related conditions. ClinVar contains an entry for this variant (Variation ID: 590537). Advanced modeling of protein sequence and biophysical properties (such as structural, functional, and spatial information, amino acid conservation, physicochemical variation, residue mobility, and thermodynamic stability) performed at Invitae indicates that this missense variant is not expected to disrupt RYR1 protein function. In summary, the available evidence is currently insufficient to determine the role of this variant in disease. Therefore, it has been classified as a Variant of Uncertain Significance.

Fulgent Genetics
Classification: Uncertain significance for Central core myopathy; Malignant hyperthermia, susceptibility to, 1; Congenital myopathy 4A, autosomal dominant; Congenital multicore myopathy with external ophthalmoplegia; King Denborough syndrome. Last evaluated: 2021-08-25. Review status: criteria provided, single submitter. Criteria: ACMG Guidelines, 2015. Collection method: clinical testing. Allele origin: unknown.

PreventionGenetics, part of Exact Sciences
Classification: Uncertain significance. Last evaluated: 2018-10-11. Review status: criteria provided, single submitter. Criteria: ACMG Guidelines, 2015. Collection method: clinical testing. Allele origin: germline.